The following is an entry in ClinVar:

ClinVar aggregate classification (germline): Uncertain significance (1 of 4 stars; one submission).

gnomAD v4.1: 76 of 1,082,188 alleles (0.007%); highest among the groups gnomAD compares: Middle Eastern, 0.062%; no homozygotes.

Submission:

CeGaT Center for Human Genetics Tuebingen
Classification: Uncertain significance. Last evaluated: 2025-03-01. Review status: criteria provided, single submitter. Criteria: CeGaT Center For Human Genetics Tuebingen Variant Classification Criteria Version 2. Collection method: clinical testing. Allele origin: germline. Affected: yes. Observed: 1 variant allele.
Comment: KCNC3: PP3

NM_004977.3(KCNC3):c.2236G>A (p.Asp746Asn)

Gene: KCNC3 (potassium voltage-gated channel subfamily C member 3; minus strand). Cytogenetic location: 19q13.33.
Variant type: single nucleotide variant.
Coding change: c.2236G>A on transcript NM_004977.3 (MANE Select); coding-DNA position 2236, G replaced by A.
Protein change: p.Asp746Asn; replaces aspartic acid 746 with asparagine.
Molecular consequence: missense variant.
Genome position (GRCh38, 1-based): chr19:50,320,284, C>T on the plus strand (G>A on the coding strand, the complement: KCNC3 is on the minus strand). VCF-style: chr19-50320284-C-T. GRCh37 (hg19) VCF-style: chr19-50823541-C-T.
Other names: c.2008G>A, p.Asp670Asn (NM_001372305.1); short protein forms D670N, D746N.
Identifiers: ClinVar variation 3777896 (VCV003777896.7).
Genomic context (GRCh38, chr19:50,320,284, plus strand): 5'-CCGGGGGGAGGGGGTTCGTCCACTAGGGGGATATCCAGGCCGCGGCGTTGGCGTTGAGGT[C>T]GGGCAAGAAGCTTGGGGGGCCTGGCTTACGCCAGTCTTGGGGGGGCAGTGGGGGAGCACC-3'
Protein context (NP_004968.2, residues 736-756): RKPGPPSFLP[Asp746Asn]LNANAAAWIS